The following is an entry in ClinVar:

ClinVar aggregate classification (germline): Conflicting classifications of pathogenicity. Review status: criteria provided, conflicting classifications (1 of 4 stars). 2 submissions from 2 submitters: Uncertain significance (1); Likely benign (1). Last evaluated 2025-12-10.

Conditions:
Hereditary diffuse gastric adenocarcinoma (HDGC). Also called: DIFFUSE GASTRIC AND LOBULAR BREAST CANCER SYNDROME. Identifiers: Orphanet 26106, MedGen C1708349, MONDO:0007648, OMIM 137215.
Hereditary cancer-predisposing syndrome. Also called: Hereditary Cancer Syndrome; Tumor predisposition; Neoplastic Syndromes, Hereditary; Hereditary neoplastic syndrome. Identifiers: Orphanet 140162, MedGen C0027672, MeSH D009386, MONDO:0015356.

Submissions (2):

Ambry Genetics
Classification: Likely benign for Hereditary cancer-predisposing syndrome. Last evaluated: 2025-12-10. Review status: criteria provided, single submitter. Criteria: Ambry Variant Classification Scheme 2023. Collection method: clinical testing. Allele origin: germline.

Labcorp Genetics (formerly Invitae), Labcorp
Classification: Uncertain significance for Hereditary diffuse gastric adenocarcinoma. Last evaluated: 2023-03-09. Review status: criteria provided, single submitter. Criteria: Invitae Variant Classification Sherloc (09022015). Collection method: clinical testing. Allele origin: germline.
Comment: In summary, the available evidence is currently insufficient to determine the role of this variant in disease. Therefore, it has been classified as a Variant of Uncertain Significance. This sequence change replaces threonine, which is neutral and polar, with asparagine, which is neutral and polar, at codon 529 of the CDH1 protein (p.Thr529Asn). This variant is not present in population databases (gnomAD no frequency). This variant has not been reported in the literature in individuals affected with CDH1-related conditions. ClinVar contains an entry for this variant (Variation ID: 2101136). An algorithm developed to predict the effect of missense changes on protein structure and function (PolyPhen-2) suggests that this variant is likely to be tolerated.

NM_004360.5(CDH1):c.1586C>A (p.Thr529Asn)

Gene: CDH1 (cadherin 1; plus strand). Cytogenetic location: 16q22.1.
Variant type: single nucleotide variant.
Coding change: c.1586C>A on transcript NM_004360.5 (MANE Select); coding-DNA position 1586, C replaced by A.
Protein change: p.Thr529Asn; replaces threonine 529 with asparagine.
Molecular consequence: missense variant. On other transcripts: intron variant (1).
Genome position (GRCh38, 1-based): chr16:68,819,300, C>A. VCF-style: chr16-68819300-C-A. GRCh37 (hg19) VCF-style: chr16-68853203-C-A.
Other names: c.1403C>A, p.Thr468Asn (NM_001317184.2); c.38C>A, p.Thr13Asn (NM_001317185.2); c.-254-2701C>A (NM_001317186.2); short protein forms T13N, T468N, T529N.
Identifiers: ClinVar variation 2101136 (VCV002101136.6), dbSNP rs1961073180, ClinGen allele CA396464893.